The following is an entry in ClinVar:

NM_001042492.3(NF1):c.3940del (p.Trp1314fs)

Gene: NF1 (neurofibromin 1; plus strand). Cytogenetic location: 17q11.2.
Variant type: Deletion.
Coding change: c.3940del on transcript NM_001042492.3 (MANE Select); coding-DNA position 3940, one base deleted (T; older notation c.3940delT).
Protein change: p.Trp1314fs; shifts the reading frame from tryptophan 1314.
Molecular consequence: frameshift variant.
Genome position (GRCh38, 1-based): chr17:31,235,987, T deleted; the last of 2 consecutive T bases (chr17:31,235,986-31,235,987); deleting either gives the same sequence. VCF-style (leftmost placement, unchanged base first): chr17-31235985-AT-A. GRCh37 (hg19) VCF-style: chr17-29563003-AT-A.
Other names: c.3940delT, p.Trp1314Glyfs (NM_000267.4); short protein forms W1314fs.
Identifiers: ClinVar variation 1069442 (VCV001069442.5), dbSNP rs2151438640, ClinGen allele CA2499224118.
Genomic context (GRCh38, chr17:31,235,985, plus strand): 5'-GTGCTACCTATCTACAAAAACTCCTGGATCCTTTATTACGAATTGTGATCACATCCTCTG[AT>A]TGGCAACATGTTAGCTTTGAAGTGGATCCTACCAGGTTTGTCATCTTTTCACATAGAACC-3'

ClinVar aggregate classification (germline): Pathogenic (1 of 4 stars; one submission).

Conditions:
Neurofibromatosis, type 1 (NF1). Also called: VON RECKLINGHAUSEN DISEASE; Peripheral type neurofibromatosis; NEUROFIBROMATOSIS, TYPE I, SOMATIC; Neurofibromatosis, type I. Identifiers: Orphanet 636, MedGen C0027831, MONDO:0018975, OMIM 162200. Disease mechanism: loss of function.

Submission:

Labcorp Genetics (formerly Invitae), Labcorp
Classification: Pathogenic for Neurofibromatosis, type 1. Last evaluated: 2020-07-08. Review status: criteria provided, single submitter. Criteria: Invitae Variant Classification Sherloc (09022015). Collection method: clinical testing. Allele origin: germline.
Comment: For these reasons, this variant has been classified as Pathogenic. Loss-of-function variants in NF1 are known to be pathogenic (PMID: 10712197, 23913538). This variant has not been reported in the literature in individuals with NF1-related conditions. This variant is not present in population databases (ExAC no frequency). This sequence change creates a premature translational stop signal (p.Trp1314Glyfs*13) in the NF1 gene. It is expected to result in an absent or disrupted protein product.

Literature cited by the submitters: PubMed 10712197; PubMed 23913538.